The following is an entry in ClinVar:

GRCh38/hg38 1p32.3(chr1:50462649-51149312)x3

Genes: C1orf185 (chromosome 1 open reading frame 185; plus strand), CDKN2C (cyclin dependent kinase inhibitor 2C; plus strand), FAF1 (Fas associated factor 1; minus strand), FAF1-AS1 (FAF1 antisense RNA 1; plus strand), MIR4421 (microRNA 4421; plus strand) and 22 more. Cytogenetic location: 1p32.3.
Variant type: copy number gain.
Change: copy number 3 (three copies instead of two) of chr1:50,462,649-51,149,312 (686.7 kb, GRCh38 coordinates, 1-based), cytogenetic band 1p32.3.
Identifiers: ClinVar variation 57108 (VCV000057108.1).

ClinVar aggregate classification (germline): Uncertain significance (1 of 4 stars; one submission).

Submission:

ISCA site 4
Classification: Uncertain significance. Last evaluated: 2011-08-12. Review status: criteria provided, single submitter. Criteria: Kaminsky et al. (Genet Med. 2011). Collection method: clinical testing. Allele origin: unknown. Affected: yes. Observed: 1 variant allele.
Comment: Copy number variation identified through the course of routine clinical cytogenomic testing in postnatal populations. Clinical assertions have been curated as described in Kaminsky et al. 2011.